The following is an entry in ClinVar:

ClinVar aggregate classification (germline): Uncertain significance. Review status: criteria provided, multiple submitters, no conflicts (2 of 4 stars). 2 submissions from 2 submitters: Uncertain significance (2). Last evaluated 2025-02-03.

Conditions:
Inborn genetic diseases. Identifiers: MedGen C0950123, MeSH D030342.

Allele frequency attached by ClinVar (database versions not stated): TOPMed 0.00001.
gnomAD v4.1: 3 of 1,614,154 alleles (0.00019%); highest among the groups gnomAD compares: African/African-American, 0.004%; no homozygotes.

Submissions (2):

Ambry Genetics
Classification: Uncertain significance for Inborn genetic diseases. Last evaluated: 2025-02-03. Review status: criteria provided, single submitter. Criteria: Ambry Variant Classification Scheme 2023. Collection method: clinical testing. Allele origin: germline.

Labcorp Genetics (formerly Invitae), Labcorp
Classification: Uncertain significance. Last evaluated: 2022-08-16. Review status: criteria provided, single submitter. Criteria: Invitae Variant Classification Sherloc (09022015). Collection method: clinical testing. Allele origin: germline.
Comment: This sequence change replaces lysine, which is basic and polar, with arginine, which is basic and polar, at codon 583 of the ERCC6 protein (p.Lys583Arg). This variant is not present in population databases (gnomAD no frequency). This variant has not been reported in the literature in individuals affected with ERCC6-related conditions. Algorithms developed to predict the effect of missense changes on protein structure and function output the following: SIFT: "Deleterious"; PolyPhen-2: "Benign"; Align-GVGD: "Class C25". The arginine amino acid residue is found in multiple mammalian species, which suggests that this missense change does not adversely affect protein function. Algorithms developed to predict the effect of sequence changes on RNA splicing suggest that this variant may disrupt the consensus splice site. In summary, the available evidence is currently insufficient to determine the role of this variant in disease. Therefore, it has been classified as a Variant of Uncertain Significance.

NM_000124.4(ERCC6):c.1748A>G (p.Lys583Arg)

Gene: ERCC6 (ERCC excision repair 6, chromatin remodeling factor; minus strand). Cytogenetic location: 10q11.23.
Variant type: single nucleotide variant.
Coding change: c.1748A>G on transcript NM_000124.4 (MANE Select); coding-DNA position 1748, A replaced by G.
Protein change: p.Lys583Arg; replaces lysine 583 with arginine.
Molecular consequence: missense variant.
Genome position (GRCh38, 1-based): chr10:49,493,190, T>C on the plus strand (A>G on the coding strand, the complement: ERCC6 is on the minus strand). VCF-style: chr10-49493190-T-C. GRCh37 (hg19) VCF-style: chr10-50701236-T-C.
Other names: c.1748A>G, p.Lys583Arg (NM_001346440.2); short protein forms K583R.
Identifiers: ClinVar variation 2109963 (VCV002109963.2), dbSNP rs1851207012, ClinGen allele CA376726542.